The following is an entry in ClinVar:

ClinVar aggregate classification (germline): Uncertain significance (1 of 4 stars; one submission).

Submission:

Ambry Genetics
Classification: Uncertain significance. Last evaluated: 2023-01-17. Review status: criteria provided, single submitter. Criteria: Ambry Variant Classification Scheme 2023. Collection method: clinical testing. Allele origin: germline.
Comment: The p.G579D variant (also known as c.1736G>A), located in coding exon 16 of the RAD54L gene, results from a G to A substitution at nucleotide position 1736. The glycine at codon 579 is replaced by aspartic acid, an amino acid with similar properties. This amino acid position is conserved. In addition, this alteration is predicted to be deleterious by in silico analysis. Since supporting evidence is limited at this time, the clinical significance of this alteration remains unclear.

NM_003579.4(RAD54L):c.1736G>A (p.Gly579Asp)

Gene: RAD54L (RAD54 like; plus strand). Cytogenetic location: 1p34.1.
Variant type: single nucleotide variant.
Coding change: c.1736G>A on transcript NM_003579.4 (MANE Select); coding-DNA position 1736, G replaced by A.
Protein change: p.Gly579Asp; replaces glycine 579 with aspartic acid.
Molecular consequence: missense variant.
Genome position (GRCh38, 1-based): chr1:46,274,584, G>A. VCF-style: chr1-46274584-G-A. GRCh37 (hg19) VCF-style: chr1-46740256-G-A.
Other names: c.1736G>A, p.Gly579Asp (NM_001142548.2); c.1196G>A, p.Gly399Asp (NM_001370766.1); short protein forms G399D, G579D.
Identifiers: ClinVar variation 2447804 (VCV002447804.2), dbSNP rs2525718284, ClinGen allele CA340185367.
Genomic context (GRCh38, chr1:46,274,584, plus strand): 5'-TCTTCTCTTTCCAGAGCCCTGACTTTGTCTTCATGCTGAGCAGCAAAGCTGGGGGCTGTG[G>A]CCTCAATCTCATTGGGGCTAACCGGCTGGTCATGTTTGACCCTGACTGGAACCCAGCCAA-3'
Protein context (NP_003570.2, residues 569-589): FMLSSKAGGC[Gly579Asp]LNLIGANRLV